The following is an entry in ClinVar:

NM_004329.3(BMPR1A):c.530+4A>G

Gene: BMPR1A (bone morphogenetic protein receptor type 1A; plus strand). Cytogenetic location: 10q23.2.
Variant type: single nucleotide variant.
Coding change: c.530+4A>G on transcript NM_004329.3 (MANE Select); 4 bases into the intron after coding-DNA position 530, A replaced by G.
Molecular consequence: intron variant.
Genome position (GRCh38, 1-based): chr10:86,900,130, A>G. VCF-style: chr10-86900130-A-G. GRCh37 (hg19) VCF-style: chr10-88659887-A-G.
Identifiers: ClinVar variation 230298 (VCV000230298.7), dbSNP rs876658490, ClinGen allele CA10578882.

ClinVar aggregate classification (germline): Uncertain significance. Review status: criteria provided, multiple submitters, no conflicts (2 of 4 stars). 2 submissions from 2 submitters: Uncertain significance (2). Last evaluated 2024-12-02.

Conditions:
Juvenile polyposis syndrome (JPS). Identifiers: Orphanet 2929, MedGen C0345893, MONDO:0017380, OMIM 174900.
Hereditary cancer-predisposing syndrome. Also called: Hereditary Cancer Syndrome; Neoplastic Syndromes, Hereditary; Tumor predisposition; Hereditary neoplastic syndrome. Identifiers: Orphanet 140162, MedGen C0027672, MeSH D009386, MONDO:0015356.

Submissions (2):

Labcorp Genetics (formerly Invitae), Labcorp
Classification: Uncertain significance for Juvenile polyposis syndrome. Last evaluated: 2024-12-02. Review status: criteria provided, single submitter. Criteria: Invitae Variant Classification Sherloc (09022015). Collection method: clinical testing. Allele origin: germline.
Comment: This sequence change falls in intron 7 of the BMPR1A gene. It does not directly change the encoded amino acid sequence of the BMPR1A protein. It affects a nucleotide within the consensus splice site. This variant is not present in population databases (gnomAD no frequency). This variant has not been reported in the literature in individuals affected with BMPR1A-related conditions. ClinVar contains an entry for this variant (Variation ID: 230298). Variants that disrupt the consensus splice site are a relatively common cause of aberrant splicing (PMID: 17576681, 9536098). Studies have shown that this variant is associated with inconclusive levels of altered splicing (internal data). In summary, the available evidence is currently insufficient to determine the role of this variant in disease. Therefore, it has been classified as a Variant of Uncertain Significance.

Ambry Genetics
Classification: Uncertain significance for Hereditary cancer-predisposing syndrome. Last evaluated: 2020-08-07. Review status: criteria provided, single submitter. Criteria: Ambry Variant Classification Scheme 2023. Collection method: clinical testing. Allele origin: germline.
Comment: The c.530+4A>G intronic variant results from an A to G substitution 4 nucleotides after coding exon 5 in the BMPR1A gene. This nucleotide position is highly conserved in available vertebrate species. In silico splice site analysis predicts that this alteration will weaken the native splice donor site. Since supporting evidence is limited at this time, the clinical significance of this alteration remains unclear.

Literature cited by the submitters: PubMed 17576681 (cited by Labcorp Genetics (formerly Invitae), Labcorp); PubMed 9536098 (cited by Labcorp Genetics (formerly Invitae), Labcorp).